The following is an entry in ClinVar:

ClinVar aggregate classification (germline): Uncertain significance (1 of 4 stars; one submission).

Allele frequency attached by ClinVar (database versions not stated): TOPMed below 0.00001; ExAC 0.00001; gnomAD exomes 0.00001.
gnomAD v4.1: 9 of 1,602,130 alleles (0.00056%); highest among the groups gnomAD compares: Non-Finnish European, 0.00077%; no homozygotes.

Submission:

Labcorp Genetics (formerly Invitae), Labcorp
Classification: Uncertain significance. Last evaluated: 2024-02-09. Review status: criteria provided, single submitter. Criteria: Invitae Variant Classification Sherloc (09022015). Collection method: clinical testing. Allele origin: germline.
Comment: This sequence change replaces asparagine, which is neutral and polar, with isoleucine, which is neutral and non-polar, at codon 821 of the CACNA1D protein (p.Asn821Ile). This variant is present in population databases (rs757267401, gnomAD 0.002%). This variant has not been reported in the literature in individuals affected with CACNA1D-related conditions. ClinVar contains an entry for this variant (Variation ID: 1931056). Advanced modeling of protein sequence and biophysical properties (such as structural, functional, and spatial information, amino acid conservation, physicochemical variation, residue mobility, and thermodynamic stability) performed at Invitae indicates that this missense variant is not expected to disrupt CACNA1D protein function with a negative predictive value of 80%. In summary, the available evidence is currently insufficient to determine the role of this variant in disease. Therefore, it has been classified as a Variant of Uncertain Significance.

NM_001128840.3(CACNA1D):c.2402A>T (p.Asn801Ile)

Gene: CACNA1D (calcium voltage-gated channel subunit alpha1 D; plus strand). Cytogenetic location: 3p21.1.
Variant type: single nucleotide variant.
Coding change: c.2402A>T on transcript NM_001128840.3 (MANE Select); coding-DNA position 2402, A replaced by T.
Protein change: p.Asn801Ile; replaces asparagine 801 with isoleucine.
Molecular consequence: missense variant.
Genome position (GRCh38, 1-based): chr3:53,731,142, A>T. VCF-style: chr3-53731142-A-T. GRCh37 (hg19) VCF-style: chr3-53765169-A-T.
Other names: c.2462A>T, p.Asn821Ile (NM_000720.4); c.2402A>T, p.Asn801Ile (NM_001128839.3); short protein forms N801I, N821I.
Identifiers: ClinVar variation 1931056 (VCV001931056.5), dbSNP rs757267401, ClinGen allele CA2454218.
Genomic context (GRCh38, chr3:53,731,142, plus strand): 5'-AGAGCCTAGAAAATAAAAAGAACAACAAACCAGAAGTCAACCAGATAGCCAACAGTGACA[A>T]CAAGGTATGTATTCTAAGATGCTTCTCCCCTTTTTGTTTCAAAATGATCCTGTTGATCTC-3'
Protein context (NP_001122312.1, residues 791-811): PEVNQIANSD[Asn801Ile]KVTIDDYREE